The following is an entry in ClinVar:

NM_000260.4(MYO7A):c.4882G>A (p.Ala1628Thr)

Gene: MYO7A (myosin VIIA; plus strand). Cytogenetic location: 11q13.5.
Variant type: single nucleotide variant.
Coding change: c.4882G>A on transcript NM_000260.4 (MANE Select); coding-DNA position 4882, G replaced by A.
Protein change: p.Ala1628Thr; replaces alanine 1628 with threonine.
Molecular consequence: missense variant.
Genome position (GRCh38, 1-based): chr11:77,201,477, G>A. VCF-style: chr11-77201477-G-A. GRCh37 (hg19) VCF-style: chr11-76912522-G-A.
Other names: c.4768G>A, p.Ala1590Thr (NM_001127180.2); c.4735G>A, p.Ala1579Thr (NM_001369365.1); short protein forms A1590T, A1579T, A1628T.
Identifiers: ClinVar variation 1462920 (VCV001462920.6), dbSNP rs2135698433, ClinGen allele CA381951147.
Genomic context (GRCh38, chr11:77,201,477, plus strand): 5'-CCCCATGGTCCCACTCACCTCTGCTCTACAGCAGGCGAGGAGTCAGGCTTCCTCAGCTTT[G>A]CCAAGGGAGACCTCATCATCCTGGACCATGACACGGGCGAGCAGGTCATGAACTCGGGCT-3'
Protein context (NP_000251.3, residues 1618-1638): AGEESGFLSF[Ala1628Thr]KGDLIILDHD

ClinVar aggregate classification (germline): Uncertain significance (1 of 4 stars; one submission).

Allele frequency attached by ClinVar (database versions not stated): gnomAD exomes below 0.00001.
gnomAD v4.1: 1 of 1,613,956 alleles (0.000062%); highest among the groups gnomAD compares: Non-Finnish European, 0.000085%; no homozygotes.

Submission:

Labcorp Genetics (formerly Invitae), Labcorp
Classification: Uncertain significance. Last evaluated: 2021-08-18. Review status: criteria provided, single submitter. Criteria: Invitae Variant Classification Sherloc (09022015). Collection method: clinical testing. Allele origin: germline.
Comment: In summary, the available evidence is currently insufficient to determine the role of this variant in disease. Therefore, it has been classified as a Variant of Uncertain Significance. Advanced modeling of protein sequence and biophysical properties (such as structural, functional, and spatial information, amino acid conservation, physicochemical variation, residue mobility, and thermodynamic stability) performed at Invitae indicates that this missense variant is not expected to disrupt MYO7A protein function. This variant has not been reported in the literature in individuals affected with MYO7A-related conditions. This variant is not present in population databases (ExAC no frequency). This sequence change replaces alanine with threonine at codon 1628 of the MYO7A protein (p.Ala1628Thr). The alanine residue is moderately conserved and there is a small physicochemical difference between alanine and threonine.